The following is an entry in ClinVar:

NM_005857.5(ZMPSTE24):c.*678G>C

Gene: ZMPSTE24 (zinc metallopeptidase STE24; plus strand). Cytogenetic location: 1p34.2.
Variant type: single nucleotide variant.
Coding change: c.*678G>C on transcript NM_005857.5 (MANE Select); 678 bases downstream of the stop codon, G replaced by C.
Molecular consequence: 3 prime UTR variant.
Genome position (GRCh38, 1-based): chr1:40,293,347, G>C. VCF-style: chr1-40293347-G-C. GRCh37 (hg19) VCF-style: chr1-40759019-G-C.
Identifiers: ClinVar variation 297272 (VCV000297272.6), dbSNP rs67294434, ClinGen allele CA10610173.

ClinVar aggregate classification (germline): Likely benign. Review status: criteria provided, multiple submitters, no conflicts (2 of 4 stars). 3 submissions from 2 submitters: Likely benign (3). Last evaluated 2018-01-13.

Conditions:
Mandibuloacral dysplasia with type B lipodystrophy (MADB). Also called: LIPODYSTROPHY, TYPE B, ASSOCIATED WITH MANDIBULOACRAL DYSPLASIA. Identifiers: Orphanet 2457, Orphanet 90154, MedGen C1837756, MONDO:0012074, OMIM 608612.
Lethal tight skin contracture syndrome. Also called: RESTRICTIVE DERMOPATHY, LETHAL; FETAL HYPOKINESIA SEQUENCE DUE TO RESTRICTIVE DERMOPATHY; HYPERKERATOSIS-CONTRACTURE SYNDROME; Restrictive dermopathy. Identifiers: Orphanet 1662, MedGen C0406585, MONDO:0031213.

Allele frequency attached by ClinVar (database versions not stated): gnomAD 0.00289 and 0.00346; TOPMed 0.00329; 1000 Genomes Project 0.00679; 1000 Genomes Project 30x 0.00812.

Submissions (3):

Illumina Laboratory Services, Illumina
Classification: Likely benign for Mandibuloacral dysplasia with type B lipodystrophy. Last evaluated: 2018-01-13. Review status: criteria provided, single submitter. Criteria: ICSL Variant Classification Criteria 13 December 2019. Collection method: clinical testing. Allele origin: germline.
Comment: This variant was observed in the ICSL laboratory as part of a predisposition screen in an ostensibly healthy population. It had not been previously curated by ICSL or reported in the Human Gene Mutation Database (HGMD: prior to June 1st, 2018), and was therefore a candidate for classification through an automated scoring system. Utilizing variant allele frequency, disease prevalence and penetrance estimates, and inheritance mode, an automated score was calculated to assess if this variant is too frequent to cause the disease. Based on the score and internal cut-off values, a variant classified as likely benign is not then subjected to further curation. The score for this variant resulted in a classification of likely benign for this disease.

Illumina Laboratory Services, Illumina
Classification: Likely benign for Restrictive dermopathy 1. Last evaluated: 2018-01-13. Review status: criteria provided, single submitter. Criteria: ICSL Variant Classification Criteria 13 December 2019. Collection method: clinical testing. Allele origin: germline.
Comment: the same text as in the submission from Illumina Laboratory Services, Illumina above.

Breakthrough Genomics
Classification: Likely benign. Review status: criteria provided, single submitter. Criteria: ACMG Guidelines, 2015. Collection method: not provided. Allele origin: germline. Inheritance: Autosomal recessive inheritance. Affected: yes.